The following is an entry in ClinVar:

NM_000059.4(BRCA2):c.8923G>C (p.Val2975Leu)

Gene: BRCA2 (BRCA2 DNA repair associated; plus strand). Cytogenetic location: 13q13.1.
Variant type: single nucleotide variant.
Coding change: c.8923G>C on transcript NM_000059.4 (MANE Select); coding-DNA position 8923, G replaced by C.
Protein change: p.Val2975Leu; replaces valine 2975 with leucine.
Molecular consequence: missense variant. On other transcripts: non-coding transcript variant (1).
Genome position (GRCh38, 1-based): chr13:32,379,485, G>C. VCF-style: chr13-32379485-G-C. GRCh37 (hg19) VCF-style: chr13-32953622-G-C.
Other names: c.8827G>C, p.Val2943Leu (NM_001406719.1); c.8923G>C, p.Val2975Leu (NM_001406720.1, NM_001432077.1); c.3991G>C, p.Val1331Leu (NM_001406721.1); c.2506G>C, p.Val836Leu (NM_001406722.1); short protein forms V1331L, V2975L, V2943L, V836L.
Identifiers: ClinVar variation 3636551 (VCV003636551.2).

ClinVar aggregate classification (germline): Uncertain significance (1 of 4 stars; one submission).

Conditions:
Hereditary breast ovarian cancer syndrome. Also called: Hereditary breast and ovarian cancer syndrome; Hereditary breast and ovarian cancer syndrome (HBOC); BRCA1- and BRCA2-Associated Hereditary Breast and Ovarian Cancer; Hereditary breast and ovarian cancer; Breast and ovarian cancer; Hereditary breast and/or ovarian cancer syndrome. Identifiers: Orphanet 145, MedGen C0677776, MeSH D061325, MONDO:0003582. Disease mechanism: loss of function.

Submission:

Labcorp Genetics (formerly Invitae), Labcorp
Classification: Uncertain significance for Hereditary breast ovarian cancer syndrome. Last evaluated: 2024-02-23. Review status: criteria provided, single submitter. Criteria: Invitae Variant Classification Sherloc (09022015). Collection method: clinical testing. Allele origin: germline.
Comment: This sequence change replaces valine, which is neutral and non-polar, with leucine, which is neutral and non-polar, at codon 2975 of the BRCA2 protein (p.Val2975Leu). This variant is not present in population databases (gnomAD no frequency). This variant has not been reported in the literature in individuals affected with BRCA2-related conditions. Advanced modeling of protein sequence and biophysical properties (such as structural, functional, and spatial information, amino acid conservation, physicochemical variation, residue mobility, and thermodynamic stability) performed at Invitae indicates that this missense variant is not expected to disrupt BRCA2 protein function with a negative predictive value of 95%. In summary, the available evidence is currently insufficient to determine the role of this variant in disease. Therefore, it has been classified as a Variant of Uncertain Significance.